The following is an entry in ClinVar:

NM_000168.6(GLI3):c.1637A>G (p.His546Arg)

Gene: GLI3 (GLI family zinc finger 3; minus strand). Cytogenetic location: 7p14.1.
Variant type: single nucleotide variant.
Coding change: c.1637A>G on transcript NM_000168.6 (MANE Select); coding-DNA position 1637, A replaced by G.
Protein change: p.His546Arg; replaces histidine 546 with arginine.
Molecular consequence: missense variant.
Genome position (GRCh38, 1-based): chr7:41,978,609, T>C on the plus strand (A>G on the coding strand, the complement: GLI3 is on the minus strand). VCF-style: chr7-41978609-T-C. GRCh37 (hg19) VCF-style: chr7-42018208-T-C.
Other names: short protein forms H546R.
Identifiers: ClinVar variation 4527346 (VCV004527346.1).
Genomic context (GRCh38, chr7:41,978,609, plus strand): 5'-TGAGTATGGGGAAGGACCCAAGTGTGCCTGCCACCCACTTCTGTACTCACAGTGCATTTG[T>C]GAGGCTTCTCGCCCGTGTGTCTTCTCATATGCACTACCAACATATACTGGGCTTTGAAGG-3'
Protein context (NP_000159.3, residues 536-556): HMRRHTGEKP[His546Arg]KCTFEGCTKA

ClinVar aggregate classification (germline): Uncertain significance (1 of 4 stars; one submission).

Submission:

GeneDx
Classification: Uncertain significance. Last evaluated: 2025-04-24. Review status: criteria provided, single submitter. Criteria: GeneDx Variant Classification Process June 2021. Collection method: clinical testing. Allele origin: germline. Affected: yes.
Comment: Not observed at significant frequency in large population cohorts (gnomAD); In silico analysis supports that this missense variant has a deleterious effect on protein structure/function; Has not been previously published as pathogenic or benign to our knowledge